The following is an entry in ClinVar:

ClinVar aggregate classification (germline): Pathogenic (1 of 4 stars; one submission).
ClinVar aggregate classification (oncogenicity): Likely oncogenic (1 of 4 stars; one submission).

Conditions:
Neoplasm. Also called: Neoplasms; Neoplasm (disease); tumor. Identifiers: MedGen C0027651, MeSH D009369, MONDO:0005070, HP:0002664.

Submissions (2):

Center for Genomic Medicine, Rigshospitalet, Copenhagen University Hospital
Classification: Likely oncogenic for Neoplasm. Last evaluated: 2025-12-29. Review status: criteria provided, single submitter. Criteria: ClinGen/CGC/VICC Guidelines for Oncogenicity, 2022. Collection method: clinical testing. Allele origin: somatic. Affected: yes.

GeneDx
Classification: Pathogenic. Last evaluated: 2016-12-05. Review status: criteria provided, single submitter. Criteria: GeneDx Variant Classification (06012015). Collection method: clinical testing. Allele origin: germline. Affected: yes.
Comment: The R1592X variant in the SET2D gene has not been reported previously as a pathogenic variant nor as a benign variant, to our knowledge. This variant is predicted to cause loss of normal protein function either through protein truncation or nonsense-mediated mRNA decay. The R1592X variant was not observed in approximately 6500 individuals of European and African American ancestry in the NHLBI Exome Sequencing Project, indicating it is not a common benign variant in these populations. We interpret R1592X as a pathogenic variant.

Literature cited by the submitters: PubMed 32674319 (cited by Center for Genomic Medicine, Rigshospitalet, Copenhagen University Hospital).

NM_014159.7(SETD2):c.4774C>T (p.Arg1592Ter)

Gene: SETD2 (SET domain containing 2, histone lysine methyltransferase; minus strand). Cytogenetic location: 3p21.31.
Variant type: single nucleotide variant.
Coding change: c.4774C>T on transcript NM_014159.7 (MANE Select); coding-DNA position 4774, C replaced by T.
Protein change: p.Arg1592Ter; replaces arginine 1592 with a stop codon.
Molecular consequence: nonsense. On other transcripts: non-coding transcript variant (1).
Genome position (GRCh38, 1-based): chr3:47,106,062, G>A on the plus strand (C>T on the coding strand, the complement: SETD2 is on the minus strand). VCF-style: chr3-47106062-G-A. GRCh37 (hg19) VCF-style: chr3-47147552-G-A.
Other names: c.4642C>T, p.Arg1548Ter (NM_001349370.3); short protein forms R1592*, R1548*.
Identifiers: ClinVar variation 373426 (VCV000373426.3), dbSNP rs1057518410, ClinGen allele CA16042507.